The following is an entry in ClinVar:

ClinVar aggregate classification (germline): Uncertain significance. Review status: criteria provided, multiple submitters, no conflicts (2 of 4 stars). 2 submissions from 2 submitters: Uncertain significance (2). Last evaluated 2025-12-29.

Conditions:
Inborn genetic diseases. Identifiers: MedGen C0950123, MeSH D030342.

gnomAD v4.1: 4 of 1,613,862 alleles (0.00025%); highest among the groups gnomAD compares: Non-Finnish European, 0.00025%; no homozygotes.

Submissions (2):

GeneDx
Classification: Uncertain significance. Last evaluated: 2025-12-29. Review status: criteria provided, single submitter. Criteria: GeneDx Variant Classification Process June 2021. Collection method: clinical testing. Allele origin: germline.
Comment: Not observed at significant frequency in large population cohorts (gnomAD); In silico analysis supports that this missense variant has a deleterious effect on protein structure/function; In addition, in silico analysis supports a deleterious effect on splicing; This substitution is predicted to be within the transmembrane segment S6 of the first homologous domain; Has not been previously published as pathogenic or benign to our knowledge.

Ambry Genetics
Classification: Uncertain significance for Inborn genetic diseases. Last evaluated: 2024-12-17. Review status: criteria provided, single submitter. Criteria: Ambry Variant Classification Scheme 2023. Collection method: clinical testing. Allele origin: germline.

NM_001040142.2(SCN2A):c.1204A>G (p.Met402Val)

Gene: SCN2A (sodium voltage-gated channel alpha subunit 2; plus strand). Cytogenetic location: 2q24.3.
Variant type: single nucleotide variant.
Coding change: c.1204A>G on transcript NM_001040142.2 (MANE Select); coding-DNA position 1204, A replaced by G.
Protein change: p.Met402Val; replaces methionine 402 with valine.
Molecular consequence: missense variant.
Genome position (GRCh38, 1-based): chr2:165,313,929, A>G. VCF-style: chr2-165313929-A-G. GRCh37 (hg19) VCF-style: chr2-166170439-A-G.
Other names: c.1204A>G, p.Met402Val (NM_001040143.2, NM_001371246.1, NM_001371247.1 and 1 more transcripts); short protein forms M402V.
Identifiers: ClinVar variation 3390583 (VCV003390583.3).
Genomic context (GRCh38, chr2:165,313,929, plus strand): 5'-AAAATTTATTAAAATCTCTCTTCCATTTTGCAGACACTACGTGCTGCTGGGAAAACGTAC[A>G]TGATATTTTTTGTGCTGGTCATTTTCTTGGGCTCATTCTATCTAATAAATTTGATCTTGG-3'
Protein context (NP_001035232.1, residues 392-412): LTLRAAGKTY[Met402Val]IFFVLVIFLG